The following is an entry in ClinVar:

ClinVar aggregate classification (germline): Uncertain significance (1 of 4 stars; one submission).

Conditions:
TTN-related disorder. Also called: TTN-related condition; TTN-related disease; TTN-related disorders.

Submission:

PreventionGenetics, part of Exact Sciences
Classification: Uncertain significance for TTN-related condition. Last evaluated: 2026-04-07. Review status: criteria provided, single submitter. Criteria: ACMG Guidelines, 2015. Collection method: clinical testing. Allele origin: germline.
Comment: The TTN c.38016G>C variant is predicted to result in the amino acid substitution p.Lys12672Asn. To our knowledge, this variant has not been reported in the literature. This variant is reported in 0.013% of alleles in individuals of African descent in gnomAD. At this time, the clinical significance of this variant is uncertain due to the absence of conclusive functional and genetic evidence.

NM_001267550.2(TTN):c.38016G>C (p.Lys12672Asn)

Gene: TTN (titin; minus strand). Cytogenetic location: 2q31.2.
Variant type: single nucleotide variant.
Coding change: c.38016G>C on transcript NM_001267550.2 (MANE Select); coding-DNA position 38016, G replaced by C.
Protein change: p.Lys12672Asn; replaces lysine 12672 with asparagine.
Molecular consequence: missense variant. On other transcripts: intron variant (5).
Genome position (GRCh38, 1-based): chr2:178,657,520, C>G on the plus strand (G>C on the coding strand, the complement: TTN is on the minus strand). VCF-style: chr2-178657520-C-G. GRCh37 (hg19) VCF-style: chr2-179522247-C-G.
Other names: c.13283-15203G>C (NM_003319.4); c.13859-15203G>C (NM_133437.4); c.13658-15203G>C (NM_133432.3); c.31741+1485G>C (NM_133378.4); c.34522+1485G>C (NM_001256850.1); short protein forms K12672N.
Identifiers: ClinVar variation 4977908 (VCV004977908.1).